The following is an entry in ClinVar:

NM_001386298.1(CIC):c.5861T>C (p.Leu1954Pro)

Gene: CIC (capicua transcriptional repressor; plus strand). Cytogenetic location: 19q13.2.
Variant type: single nucleotide variant.
Coding change: c.5861T>C on transcript NM_001386298.1 (MANE Select); coding-DNA position 5861, T replaced by C.
Protein change: p.Leu1954Pro; replaces leucine 1954 with proline.
Molecular consequence: missense variant.
Genome position (GRCh38, 1-based): chr19:42,292,425, T>C. VCF-style: chr19-42292425-T-C. GRCh37 (hg19) VCF-style: chr19-42796577-T-C.
Other names: c.5861T>C, p.Leu1954Pro (NM_001304815.2, NM_001379480.1, NM_001379482.1); c.3134T>C, p.Leu1045Pro (NM_001379484.1, NM_001379485.1, NM_015125.5); short protein forms L1045P, L1954P.
Identifiers: ClinVar variation 3391750 (VCV003391750.2).

ClinVar aggregate classification (germline): Uncertain significance. Review status: criteria provided, multiple submitters, no conflicts (2 of 4 stars). 2 submissions from 2 submitters: Uncertain significance (2). Last evaluated 2025-02-14.

Conditions:
Inborn genetic diseases. Identifiers: MedGen C0950123, MeSH D030342.

gnomAD v4.1: 6 of 1,611,158 alleles (0.00037%); highest among the groups gnomAD compares: Non-Finnish European, 0.00051%; no homozygotes.

Submissions (2):

Ambry Genetics
Classification: Uncertain significance for Inborn genetic diseases. Last evaluated: 2025-02-14. Review status: criteria provided, single submitter. Criteria: Ambry Variant Classification Scheme 2023. Collection method: clinical testing. Allele origin: germline.

GeneDx
Classification: Uncertain significance. Last evaluated: 2024-06-18. Review status: criteria provided, single submitter. Criteria: GeneDx Variant Classification Process June 2021. Collection method: clinical testing. Allele origin: germline. Affected: yes.
Comment: Not observed at significant frequency in large population cohorts (gnomAD); In silico analysis indicates that this missense variant does not alter protein structure/function; Has not been previously published as pathogenic or benign to our knowledge